The following is an entry in ClinVar:

ClinVar aggregate classification (germline): Pathogenic/Likely pathogenic. Review status: criteria provided, multiple submitters, no conflicts (2 of 4 stars). 21 submissions from 19 submitters: Pathogenic (14); Likely pathogenic (5). 2 of the submissions do not count toward it. Last evaluated 2026-07-27.

Conditions:
CFTR-related disorder (CFTR-RD). Also called: CFTR-related disorders; CFTR-related condition. Identifiers: MedGen C5924204, MONDO:7770004.
Congenital bilateral aplasia of vas deferens from CFTR mutation (CBAVD). Identifiers: Orphanet 48, MedGen C0403814, MONDO:0010178, OMIM 277180. Disease mechanism: loss of function.
Cystic fibrosis (CF). Also called: MUCOVISCIDOSIS. Identifiers: Orphanet 586, MedGen C0010674, MONDO:0009061, OMIM 219700. Disease mechanism: loss of function.
Hereditary pancreatitis (PCTT). Also called: PRSS1-Related Hereditary Pancreatitis; Hereditary chronic pancreatitis. Identifiers: Orphanet 676, MedGen C0238339, MONDO:0008185, OMIM 167800.
Bronchiectasis with or without elevated sweat chloride 1 (BESC1). Also called: Cystic Fibrosis-Like Syndrome. Identifiers: Orphanet 60033, MedGen C2749757, MONDO:0008887, OMIM 211400.

Allele frequency attached by ClinVar (database versions not stated): ExAC 0.00003; TOPMed 0.00003; ESP Exome Variant Server 0.00008; gnomAD 0.00002; gnomAD exomes 0.00002.
gnomAD v4.1: 33 of 1,613,752 alleles (0.002%); highest among the groups gnomAD compares: Non-Finnish European, 0.0027%; no homozygotes.

Submissions 1 to 9 of 21:

PreventionGenetics, part of Exact Sciences
Classification: Pathogenic for CFTR-related condition. Last evaluated: 2026-07-27. Review status: criteria provided, single submitter. Criteria: ACMG Guidelines, 2015. Collection method: clinical testing. Allele origin: germline.
Comment: The CFTR c.4426C>T variant is predicted to result in premature protein termination (p.Gln1476*). However, this variant occurs in the last exon of CFTR, thereby escaping nonsense mediated decay and resulting in the deletion of the last 5 C-terminal amino acids of the CFTR protein. This variant has been reported in the compound heterozygous state in individuals with CF and CFTR-related disorders, and is considered to to be a variant with varying consequences in the CFTR2 database (Audrézet et al. 2002. PubMed ID: 11938439; Steiner et al. 2011. PubMed ID: 21520337; Amato et al. 2012. PubMed ID: 22020151). Functional studies indicate this variant undergoes normal mRNA processing, results in mature truncated protein and is expected to have a CFTR modulator response (Sharma et al. 2018. PubMed ID: 30444886). This variant is reported in 0.0040% of alleles in individuals of African descent in gnomAD. InClinVar, this variant is classified as pathogenic or likely pathogenic by the majority of clinical labs (Variation ID: 53947). Taken together, this variant is interpreted as pathogenic.

GeneDx
Classification: Likely pathogenic. Last evaluated: 2026-02-05. Review status: criteria provided, single submitter. Criteria: GeneDx Variant Classification Process June 2021. Collection method: clinical testing. Allele origin: germline.
Comment: Identified with a second CFTR variant in patients with cystic fibrosis, some with mild symptoms, or other CFTR-related disorders in published literature (PMID: 11938439, 12919146, 17449517, 21520337, 28603918); Published functional studies demonstrate normal protein expression and modulator response, but reduced chloride channel function (PMID: 30444886); Nonsense variant predicted to result in protein truncation as the last 5 amino acids are lost within the PDZ interaction domain (PMID: 10562297), although loss-of-function variants have not been reported downstream of this position in the protein; Classified as a variant of varying clinical consequence in a well-curated database (CFTR2); This variant is associated with the following publications: (PMID: 31589614, 34426522, 10562297, 23276700, 25910067, 21520337, 28603918, 17449517, 22020151, 25087612, 11938439, 28544683, 21679131, 16784904, 17003641, 12578973, 11504857, 12919146, 15758663, 34996830, 36007526, 34782259, 37175647, 39062716, 38515211, 37313453, 39373784, 30444886)

Dasa
Classification: Pathogenic. Last evaluated: 2025-10-07. Review status: criteria provided, single submitter. Criteria: DASA Assertion Criteria. Collection method: clinical testing. Allele origin: germline.
Comment: NM_000492.4(CFTR):c.4426C>T (p.Gln1476Ter) introduces a premature termination codon predicted to result in loss of normal protein function. Loss-of-function is an established mechanism of disease for this gene. This variant has been observed in affected individuals with related phenotype in a genotype context consistent with recessive disease (PMID: 17449517; PMID: 31508243; PMID: 12578973; PMID: 22020151; PMID: 21520337). This variant has been recurrently observed in individuals with related phenotype (PMID: 17449517; PMID: 31508243; PMID: 12578973; PMID: 22020151; PMID: 21520337). The variant is present at low frequency in population datasets. Based on the available data, this variant is classified as pathogenic.

Ambry Genetics
Classification: Likely pathogenic for Cystic fibrosis. Last evaluated: 2025-09-26. Review status: criteria provided, single submitter. Criteria: Ambry Variant Classification Scheme 2023. Collection method: clinical testing. Allele origin: germline.
Comment: The p.Q1476* variant (also known as c.4426C>T), located in coding exon 27 of the CFTR gene, results from a C to T substitution at nucleotide position 4426. This changes the amino acid from a glutamine to a stop codon within coding exon 27. Premature stop codons are typically deleterious in nature, however, this stop codon occurs at the 3' terminus of CFTR, is not expected to trigger nonsense-mediated mRNA decay, and impacts only the last 5 amino acids of the protein. The exact functional impact of these removed amino acids is unknown at this time. This variant has been reported as a variant of varying clinical consequences (VVCC) (Sosnay PR et al. Pediatr. Clin. North Am., 2016 08;63:585-98; The Clinical and Functional TRanslation of CFTR (CFTR2); available at CFTR2. Accessed April 4, 2019). Based on the majority of available evidence to date, this variant is likely to be pathogenic.

Labcorp Genetics (formerly Invitae), Labcorp
Classification: Pathogenic for Cystic fibrosis. Last evaluated: 2025-08-03. Review status: criteria provided, single submitter. Criteria: Invitae Variant Classification Sherloc (09022015). Collection method: clinical testing. Allele origin: germline.
Comment: This sequence change creates a premature translational stop signal (p.Gln1476*) in the CFTR gene. While this is not anticipated to result in nonsense mediated decay, it is expected to disrupt the last 5 amino acid(s) of the CFTR protein. This variant is present in population databases (rs374705585, gnomAD 0.005%). This premature translational stop signal has been observed in individuals with cystic fibrosis (PMID: 11938439, 22020151, 25910067, 28544683). ClinVar contains an entry for this variant (Variation ID: 53947). Algorithms developed to predict the effect of variants on gene product structure and function are not available or were not evaluated for this variant. Experimental studies have shown that this premature translational stop signal affects CFTR function (PMID: 30444886). For these reasons, this variant has been classified as Pathogenic.

Blueprint Genetics
Classification: Pathogenic for CFTR-related disorders. Last evaluated: 2024-10-31. Review status: criteria provided, single submitter. Criteria: ACMG Guidelines, 2015. Collection method: clinical testing. Allele origin: germline. Affected: yes. Observed: 2 variant alleles.

Fulgent Genetics
Classification: Pathogenic for Hereditary pancreatitis; Bronchiectasis with or without elevated sweat chloride 1; Cystic fibrosis; Congenital bilateral aplasia of vas deferens from CFTR mutation. Last evaluated: 2024-03-28. Review status: criteria provided, single submitter. Criteria: ACMG Guidelines, 2015. Collection method: clinical testing. Allele origin: germline.

CeGaT Center for Human Genetics Tuebingen
Classification: Pathogenic. Last evaluated: 2024-03-01. Review status: criteria provided, single submitter. Criteria: CeGaT Center For Human Genetics Tuebingen Variant Classification Criteria Version 2. Collection method: clinical testing. Allele origin: germline. Affected: yes. Observed: 1 variant allele.
Comment: CFTR: PM3:Very Strong, PM2, PVS1:Moderate

Quest Diagnostics Nichols Institute San Juan Capistrano
Classification: Pathogenic. Last evaluated: 2022-10-21. Review status: criteria provided, single submitter. Criteria: Quest Diagnostics criteria. Collection method: clinical testing. Allele origin: unknown.
Comment: This nonsense variant causes the premature termination of CFTR protein synthesis. The frequency of this variant in the general population, 0.000039 (5/128820 chromosomes), is consistent with pathogenicity. In the published literature, the variant has been reported in individuals with cystic fibrosis (CF) (PMIDs: 28544683 (2017), 23276700 (2013), 12919146 (2003), 11938439 (2002)) and cystic fibrosis related disease (CFRD) (PMIDs: 25910067 (2015), 22020151 (2012), 21679131 (2011), 21520337 (2011), 17449517 (2007), 17003641 (2006), 12919146 (2003)). This variant is often detected in trans with another pathogenic CFTR variant in affected individuals (PMIDs: 28544683 (2017), 25910067 (2015), 22020151 (2012)). Functional studies have demonstrated this variant may mildly impact protein function, but additional studies are needed to determine the global impact of this variant on the CFTR gene or gene products (PMID: 30444886 (2018)). Based on the available information, this variant is classified as pathogenic.

NM_000492.4(CFTR):c.4426C>T (p.Gln1476Ter)

Genes: CFTR (CF transmembrane conductance regulator; plus strand), LOC111674477 (CFTR intron 23 enhancer; plus strand). Cytogenetic location: 7q31.2.
Variant type: single nucleotide variant.
Coding change: c.4426C>T on transcript NM_000492.4 (MANE Select); coding-DNA position 4426, C replaced by T.
Protein change: p.Gln1476Ter; replaces glutamine 1476 with a stop codon.
Molecular consequence: nonsense.
Genome position (GRCh38, 1-based): chr7:117,667,091, C>T. VCF-style: chr7-117667091-C-T. GRCh37 (hg19) VCF-style: chr7-117307145-C-T.
Other names: Q1476X; short protein forms Q1476*.
Identifiers: ClinVar variation 53947 (VCV000053947.63), dbSNP rs374705585, ClinGen allele CA221031.